The following is an entry in ClinVar:

NM_006922.4(SCN3A):c.1381-34G>A

Gene: SCN3A (sodium voltage-gated channel alpha subunit 3; minus strand). Cytogenetic location: 2q24.3.
Variant type: single nucleotide variant.
Coding change: c.1381-34G>A on transcript NM_006922.4 (MANE Select); 34 bases into the intron before coding-DNA position 1381, G replaced by A.
Molecular consequence: intron variant.
Genome position (GRCh38, 1-based): chr2:165,147,063, C>T on the plus strand (G>A on the coding strand, the complement: SCN3A is on the minus strand). VCF-style: chr2-165147063-C-T. GRCh37 (hg19) VCF-style: chr2-166003573-C-T.
Other names: c.1381-34G>A (NM_001081676.2, NM_001081677.2).
Identifiers: ClinVar variation 1241883 (VCV001241883.7), dbSNP rs58539679, ClinGen allele CA1939172.

ClinVar aggregate classification (germline): Benign. Review status: criteria provided, multiple submitters, no conflicts (2 of 4 stars). 5 submissions from 4 submitters: Benign (5). Last evaluated 2024-07-15.

Conditions:
Developmental and epileptic encephalopathy, 62. Also called: Early infantile epileptic encephalopathy 62. Identifiers: MedGen C4693699, MONDO:0033371, OMIM 617938.
Epilepsy, familial focal, with variable foci 4 (FFEVF4). Identifiers: MedGen C4693694, MONDO:0054776, OMIM 617935.

Allele frequency attached by ClinVar (database versions not stated): gnomAD exomes 0.21384 and 0.22221; gnomAD 0.21988 and 0.22247; ExAC 0.22120; ESP Exome Variant Server 0.22355; TOPMed 0.22562; 1000 Genomes Project 30x 0.25500; 1000 Genomes Project 0.25699.
gnomAD v4.1: 346,535 of 1,612,110 alleles (21%); highest among the groups gnomAD compares: East Asian, 31%; 37,731 homozygotes.

Submissions (5):

Unidad de Genómica Garrahan, Hospital de Pediatría Garrahan
Classification: Benign. Last evaluated: 2024-07-15. Review status: criteria provided, single submitter. Criteria: ACMG Guidelines, 2015. Collection method: clinical testing. Allele origin: germline. Affected: no. Observed: 28 variant alleles.
Comment: This variant is classified as Benign based on local population frequency. This variant was detected in 30% of patients studied in a panel designed for Epileptic and Developmental Encephalopathy and Progressive Myoclonus Epilepsy. Number of patients: 28. Only high quality variants are reported.

Genome-Nilou Lab
Classification: Benign for Developmental and epileptic encephalopathy, 62. Last evaluated: 2021-07-15. Review status: criteria provided, single submitter. Criteria: ACMG Guidelines, 2015. Collection method: clinical testing. Allele origin: germline. Affected: no.

Genome-Nilou Lab
Classification: Benign for Epilepsy, familial focal, with variable foci 4. Last evaluated: 2021-07-15. Review status: criteria provided, single submitter. Criteria: ACMG Guidelines, 2015. Collection method: clinical testing. Allele origin: germline. Affected: no.

GeneDx
Classification: Benign. Last evaluated: 2021-05-16. Review status: criteria provided, single submitter. Criteria: GeneDx Variant Classification Process June 2021. Collection method: clinical testing. Allele origin: germline. Affected: yes.

Breakthrough Genomics
Classification: Benign. Review status: criteria provided, single submitter. Criteria: ACMG Guidelines, 2015. Collection method: not provided. Allele origin: germline. Inheritance: Autosomal dominant inheritance. Affected: yes.